The following is an entry in ClinVar:

ClinVar aggregate classification (germline): Uncertain significance (1 of 4 stars; one submission).

Conditions:
Inborn genetic diseases. Identifiers: MedGen C0950123, MeSH D030342.

Allele frequency attached by ClinVar (database versions not stated): gnomAD exomes 0.00001.

Submission:

Ambry Genetics
Classification: Uncertain significance for Inborn genetic diseases. Last evaluated: 2020-01-20. Review status: criteria provided, single submitter. Criteria: Ambry Variant Classification Scheme 2023. Collection method: clinical testing. Allele origin: germline.
Comment: The p.M1145I variant (also known as c.3435G>A), located in coding exon 4 of the PRX gene, results from a G to A substitution at nucleotide position 3435. The methionine at codon 1145 is replaced by isoleucine, an amino acid with highly similar properties. This amino acid position is not well conserved in available vertebrate species. In addition, this alteration is predicted to be tolerated by in silico analysis. Since supporting evidence is limited at this time, the clinical significance of this alteration remains unclear.

NM_181882.3(PRX):c.3435G>A (p.Met1145Ile)

Gene: PRX (periaxin; minus strand). Cytogenetic location: 19q13.2.
Variant type: single nucleotide variant.
Coding change: c.3435G>A on transcript NM_181882.3 (MANE Select); coding-DNA position 3435, G replaced by A.
Protein change: p.Met1145Ile; replaces methionine 1145 with isoleucine.
Molecular consequence: missense variant. On other transcripts: 3 prime UTR variant (1).
Genome position (GRCh38, 1-based): chr19:40,394,917, C>T on the plus strand (G>A on the coding strand, the complement: PRX is on the minus strand). VCF-style: chr19-40394917-C-T. GRCh37 (hg19) VCF-style: chr19-40900824-C-T.
Other names: c.3720G>A, p.Met1240Ile (NM_001411127.1); c.*3640G>A (NM_020956.2); short protein forms M1145I, M1240I.
Identifiers: ClinVar variation 1731408 (VCV001731408.2), dbSNP rs2079416532, ClinGen allele CA405893697.